The following is an entry in ClinVar:

NM_005477.3(HCN4):c.605C>A (p.Pro202Gln)

Gene: HCN4 (hyperpolarization activated cyclic nucleotide gated potassium channel 4; minus strand). Cytogenetic location: 15q24.1.
Variant type: single nucleotide variant.
Coding change: c.605C>A on transcript NM_005477.3 (MANE Select); coding-DNA position 605, C replaced by A.
Protein change: p.Pro202Gln; replaces proline 202 with glutamine.
Molecular consequence: missense variant.
Genome position (GRCh38, 1-based): chr15:73,367,666, G>T on the plus strand (C>A on the coding strand, the complement: HCN4 is on the minus strand). VCF-style: chr15-73367666-G-T. GRCh37 (hg19) VCF-style: chr15-73660007-G-T.
Other names: short protein forms P202Q.
Identifiers: ClinVar variation 3720808 (VCV003720808.2).

ClinVar aggregate classification (germline): Uncertain significance (1 of 4 stars; one submission).

Conditions:
Brugada syndrome 8 (BRGDA8). Identifiers: Orphanet 130, MedGen C2751083, MONDO:0013148, OMIM 613123.

Submission:

Labcorp Genetics (formerly Invitae), Labcorp
Classification: Uncertain significance for Brugada syndrome 8. Last evaluated: 2025-02-06. Review status: criteria provided, single submitter. Criteria: Invitae Variant Classification Sherloc (09022015). Collection method: clinical testing. Allele origin: germline.
Comment: This sequence change replaces proline, which is neutral and non-polar, with glutamine, which is neutral and polar, at codon 202 of the HCN4 protein (p.Pro202Gln). This variant is not present in population databases (gnomAD no frequency). This variant has not been reported in the literature in individuals affected with HCN4-related conditions. Invitae Evidence Modeling of protein sequence and biophysical properties (such as structural, functional, and spatial information, amino acid conservation, physicochemical variation, residue mobility, and thermodynamic stability) indicates that this missense variant is not expected to disrupt HCN4 protein function with a negative predictive value of 95%. In summary, the available evidence is currently insufficient to determine the role of this variant in disease. Therefore, it has been classified as a Variant of Uncertain Significance.